The following is an entry in ClinVar:

NM_000287.4(PEX6):c.87G>A (p.Trp29Ter)

Gene: PEX6 (peroxisomal biogenesis factor 6; minus strand). Cytogenetic location: 6p21.1.
Variant type: single nucleotide variant.
Coding change: c.87G>A on transcript NM_000287.4 (MANE Select); coding-DNA position 87, G replaced by A.
Protein change: p.Trp29Ter; replaces tryptophan 29 with a stop codon.
Molecular consequence: nonsense. On other transcripts: non-coding transcript variant (1).
Genome position (GRCh38, 1-based): chr6:42,979,064, C>T on the plus strand (G>A on the coding strand, the complement: PEX6 is on the minus strand). VCF-style: chr6-42979064-C-T. GRCh37 (hg19) VCF-style: chr6-42946802-C-T.
Other names: c.87G>A, p.Trp29Ter (NM_001316313.2); short protein forms W29*.
Identifiers: ClinVar variation 2841075 (VCV002841075.3), dbSNP rs2481283458, ClinGen allele CA364169296.
Genomic context (GRCh38, chr6:42,979,064, plus strand): 5'-CCCTGCCGGGCTCTCCCCTGCAGGCCTCAGGGCCAGCACCAGGCCCAGCTCCGCCGCCGG[C>T]CACGGGCCCCCGGGTGGCAGCAGCACTGCCAACGGGGGTGTCTCGGTCGGAAAGGGCTCC-3'

ClinVar aggregate classification (germline): Pathogenic (1 of 4 stars; one submission).

Conditions:
Peroxisome biogenesis disorder. Identifiers: Orphanet 79189, MedGen C1832200, MONDO:0019234. Disease mechanism: loss of function.

Allele frequency attached by ClinVar (database versions not stated): gnomAD exomes below 0.00001.
gnomAD v4.1: 2 of 1,538,424 alleles (0.00013%); highest among the groups gnomAD compares: East Asian, 0.0024%; no homozygotes.

Submission:

Labcorp Genetics (formerly Invitae), Labcorp
Classification: Pathogenic for Peroxisome biogenesis disorder. Last evaluated: 2023-02-26. Review status: criteria provided, single submitter. Criteria: Invitae Variant Classification Sherloc (09022015). Collection method: clinical testing. Allele origin: germline.
Comment: For these reasons, this variant has been classified as Pathogenic. This variant has not been reported in the literature in individuals affected with PEX6-related conditions. This variant is not present in population databases (gnomAD no frequency). This sequence change creates a premature translational stop signal (p.Trp29*) in the PEX6 gene. It is expected to result in an absent or disrupted protein product. Loss-of-function variants in PEX6 are known to be pathogenic (PMID: 8670792, 19877282, 21031596).

Literature cited by the submitters: PubMed 8670792; PubMed 19877282; PubMed 21031596.